The following is an entry in ClinVar:

NM_005458.8(GABBR2):c.683A>G (p.Asp228Gly)

Genes: GABBR2 (gamma-aminobutyric acid type B receptor subunit 2; minus strand), LOC126860700 (CDK7 strongly-dependent group 2 enhancer GRCh37_chr9:101257622-101258821; plus strand). Cytogenetic location: 9q22.33.
Variant type: single nucleotide variant.
Coding change: c.683A>G on transcript NM_005458.8 (MANE Select); coding-DNA position 683, A replaced by G.
Protein change: p.Asp228Gly; replaces aspartic acid 228 with glycine.
Molecular consequence: missense variant.
Genome position (GRCh38, 1-based): chr9:98,496,462, T>C on the plus strand (A>G on the coding strand, the complement: GABBR2 is on the minus strand). VCF-style: chr9-98496462-T-C. GRCh37 (hg19) VCF-style: chr9-101258744-T-C.
Other names: short protein forms D228G.
Identifiers: ClinVar variation 1925892 (VCV001925892.5), dbSNP rs2490007258, ClinGen allele CA374349281.

ClinVar aggregate classification (germline): Uncertain significance (1 of 4 stars; one submission).

Conditions:
Epileptic encephalopathy. Identifiers: MedGen C0543888, HP:0200134.

Submission:

Labcorp Genetics (formerly Invitae), Labcorp
Classification: Uncertain significance for Epileptic encephalopathy. Last evaluated: 2024-08-05. Review status: criteria provided, single submitter. Criteria: Invitae Variant Classification Sherloc (09022015). Collection method: clinical testing. Allele origin: germline.
Comment: This sequence change replaces aspartic acid, which is acidic and polar, with glycine, which is neutral and non-polar, at codon 228 of the GABBR2 protein (p.Asp228Gly). This variant is not present in population databases (gnomAD no frequency). This variant has not been reported in the literature in individuals affected with GABBR2-related conditions. ClinVar contains an entry for this variant (Variation ID: 1925892). Advanced modeling of protein sequence and biophysical properties (such as structural, functional, and spatial information, amino acid conservation, physicochemical variation, residue mobility, and thermodynamic stability) performed at Invitae indicates that this missense variant is not expected to disrupt GABBR2 protein function with a negative predictive value of 80%. In summary, the available evidence is currently insufficient to determine the role of this variant in disease. Therefore, it has been classified as a Variant of Uncertain Significance.